The following is an entry in ClinVar:

NM_004187.5(KDM5C):c.3092C>T (p.Ala1031Val)

Gene: KDM5C (lysine demethylase 5C; minus strand). Cytogenetic location: Xp11.22.
Variant type: single nucleotide variant.
Coding change: c.3092C>T on transcript NM_004187.5 (MANE Select); coding-DNA position 3092, C replaced by T.
Protein change: p.Ala1031Val; replaces alanine 1031 with valine.
Molecular consequence: missense variant. On other transcripts: non-coding transcript variant (3).
Genome position (GRCh38, 1-based): chrX:53,195,944, G>A on the plus strand (C>T on the coding strand, the complement: KDM5C is on the minus strand). VCF-style: chrX-53195944-G-A. GRCh37 (hg19) VCF-style: chrX-53225126-G-A.
Other names: c.2891C>T, p.Ala964Val (NM_001146702.2); c.3089C>T, p.Ala1030Val (NM_001282622.3, NM_001353979.2, NM_001353982.2); c.3092C>T, p.Ala1031Val (NM_001353978.3, NM_001353981.2, NM_001353984.2); short protein forms A1030V, A1031V, A964V.
Identifiers: ClinVar variation 4747147 (VCV004747147.1).

ClinVar aggregate classification (germline): Uncertain significance (1 of 4 stars; one submission).

Conditions:
Spastic paraplegia. Identifiers: MedGen C0037772, HP:0001258.

Submission:

Labcorp Genetics (formerly Invitae), Labcorp
Classification: Uncertain significance for Spastic paraplegia. Last evaluated: 2025-05-28. Review status: criteria provided, single submitter. Criteria: Invitae Variant Classification Sherloc (09022015). Collection method: clinical testing. Allele origin: germline.
Comment: This sequence change replaces alanine, which is neutral and non-polar, with valine, which is neutral and non-polar, at codon 1031 of the KDM5C protein (p.Ala1031Val). This variant is not present in population databases (gnomAD no frequency). This variant has not been reported in the literature in individuals affected with KDM5C-related conditions. Invitae Evidence Modeling of protein sequence and biophysical properties (such as structural, functional, and spatial information, amino acid conservation, physicochemical variation, residue mobility, and thermodynamic stability) has been performed for this missense variant. However, the output from this modeling did not meet the statistical confidence thresholds required to predict the impact of this variant on KDM5C protein function. In summary, the available evidence is currently insufficient to determine the role of this variant in disease. Therefore, it has been classified as a Variant of Uncertain Significance.